The following is an entry in ClinVar:

NM_001003787.4(STRADA):c.140C>G (p.Ser47Ter)

Gene: STRADA (STE20 related adaptor alpha; minus strand). Cytogenetic location: 17q23.3.
Variant type: single nucleotide variant.
Coding change: c.140C>G on transcript NM_001003787.4 (MANE Select); coding-DNA position 140, C replaced by G.
Protein change: p.Ser47Ter; replaces serine 47 with a stop codon.
Molecular consequence: nonsense. On other transcripts: 5 prime UTR variant (3), non-coding transcript variant (1), intron variant (1).
Genome position (GRCh38, 1-based): chr17:63,714,092, G>C on the plus strand (C>G on the coding strand, the complement: STRADA is on the minus strand). VCF-style: chr17-63714092-G-C. GRCh37 (hg19) VCF-style: chr17-61791452-G-C.
Other names: c.29C>G, p.Ser10Ter (NM_001003786.3, NM_001363789.1, NM_153335.6); c.-35C>G (NM_001003788.3, NM_001363790.1, NM_001363791.1); c.53C>G, p.Ser18Ter (NM_001165969.2, NM_001363787.1); c.116C>G, p.Ser39Ter (NM_001363786.1); c.140C>G, p.Ser47Ter (NM_001363788.1); c.95-565C>G (NM_001165970.2); short protein forms S10*, S18*, S39*, S47*.
Identifiers: ClinVar variation 942810 (VCV000942810.10), dbSNP rs375396155, ClinGen allele CA8703476.

ClinVar aggregate classification (germline): Conflicting classifications of pathogenicity. Review status: criteria provided, conflicting classifications (1 of 4 stars). 2 submissions from 2 submitters: Pathogenic (1); Uncertain significance (1). Last evaluated 2021-11-18.

Conditions:
Polyhydramnios, megalencephaly, and symptomatic epilepsy (PMSE). Also called: PMSE SYNDROME. Identifiers: Orphanet 500533, MedGen C1970203, MONDO:0012611, OMIM 611087.

Allele frequency attached by ClinVar (database versions not stated): ExAC 0.00002; gnomAD 0.00002; gnomAD exomes 0.00003; TOPMed 0.00004; ESP Exome Variant Server 0.00008.
gnomAD v4.1: 182 of 1,613,120 alleles (0.011%); highest among the groups gnomAD compares: Non-Finnish European, 0.015%; no homozygotes.

Submissions (2):

Labcorp Genetics (formerly Invitae), Labcorp
Classification: Pathogenic for Polyhydramnios, megalencephaly, and symptomatic epilepsy. Last evaluated: 2021-11-18. Review status: criteria provided, single submitter. Criteria: Invitae Variant Classification Sherloc (09022015). Collection method: clinical testing. Allele origin: germline.
Comment: This variant is present in population databases (rs375396155, gnomAD 0.006%). For these reasons, this variant has been classified as Pathogenic. ClinVar contains an entry for this variant (Variation ID: 942810). This variant has not been reported in the literature in individuals affected with STRADA-related conditions. This sequence change creates a premature translational stop signal (p.Ser47*) in the STRADA gene. It is expected to result in an absent or disrupted protein product. Loss-of-function variants in STRADA are known to be pathogenic (PMID: 17522105, 27170158).

GeneDx
Classification: Uncertain significance. Last evaluated: 2019-11-07. Review status: criteria provided, single submitter. Criteria: GeneDx Variant Classification Process June 2021. Collection method: clinical testing. Allele origin: germline. Affected: yes.
Comment: Nonsense variant predicted to result in protein truncation or nonsense mediated decay in a gene for which loss-of-function is a known mechanism of disease; Has not been previously published as pathogenic or benign to our knowledge

Literature cited by the submitters: PubMed 17522105 (cited by Labcorp Genetics (formerly Invitae), Labcorp); PubMed 27170158 (cited by Labcorp Genetics (formerly Invitae), Labcorp).